The following is an entry in ClinVar:

NM_002439.5(MSH3):c.2593C>A (p.Pro865Thr)

Gene: MSH3 (mutS homolog 3; plus strand). Cytogenetic location: 5q14.1.
Variant type: single nucleotide variant.
Coding change: c.2593C>A on transcript NM_002439.5 (MANE Select); coding-DNA position 2593, C replaced by A.
Protein change: p.Pro865Thr; replaces proline 865 with threonine.
Molecular consequence: missense variant.
Genome position (GRCh38, 1-based): chr5:80,792,782, C>A. VCF-style: chr5-80792782-C-A. GRCh37 (hg19) VCF-style: chr5-80088601-C-A.
Other names: short protein forms P865T.
Identifiers: ClinVar variation 3913647 (VCV003913647.1).

ClinVar aggregate classification (germline): Uncertain significance (1 of 4 stars; one submission).

Conditions:
Hereditary cancer-predisposing syndrome. Also called: Hereditary Cancer Syndrome; Hereditary neoplastic syndrome; Neoplastic Syndromes, Hereditary; Tumor predisposition. Identifiers: Orphanet 140162, MedGen C0027672, MeSH D009386, MONDO:0015356.

Submission:

Ambry Genetics
Classification: Uncertain significance for Hereditary cancer-predisposing syndrome. Last evaluated: 2025-05-19. Review status: criteria provided, single submitter. Criteria: Ambry Variant Classification Scheme 2023. Collection method: clinical testing. Allele origin: germline.
Comment: The p.P865T variant (also known as c.2593C>A), located in coding exon 19 of the MSH3 gene, results from a C to A substitution at nucleotide position 2593. The proline at codon 865 is replaced by threonine, an amino acid with highly similar properties. This amino acid position is conserved. In addition, this alteration is predicted to be deleterious by in silico analysis. Based on the available evidence, the clinical significance of this variant remains unclear.